The following is an entry in ClinVar:

ClinVar aggregate classification (germline): Uncertain significance (1 of 4 stars; one submission).

Submission:

Labcorp Genetics (formerly Invitae), Labcorp
Classification: Uncertain significance. Last evaluated: 2022-07-09. Review status: criteria provided, single submitter. Criteria: Invitae Variant Classification Sherloc (09022015). Collection method: clinical testing. Allele origin: germline.
Comment: This sequence change replaces asparagine, which is neutral and polar, with serine, which is neutral and polar, at codon 386 of the SAG protein (p.Asn386Ser). This variant is not present in population databases (gnomAD no frequency). This variant has not been reported in the literature in individuals affected with SAG-related conditions. Algorithms developed to predict the effect of missense changes on protein structure and function (SIFT, PolyPhen-2, Align-GVGD) all suggest that this variant is likely to be tolerated. In summary, the available evidence is currently insufficient to determine the role of this variant in disease. Therefore, it has been classified as a Variant of Uncertain Significance.

NM_000541.5(SAG):c.1157A>G (p.Asn386Ser)

Gene: SAG (S-antigen visual arrestin; plus strand). Cytogenetic location: 2q37.1.
Variant type: single nucleotide variant.
Coding change: c.1157A>G on transcript NM_000541.5 (MANE Select); coding-DNA position 1157, A replaced by G.
Protein change: p.Asn386Ser; replaces asparagine 386 with serine.
Molecular consequence: missense variant.
Genome position (GRCh38, 1-based): chr2:233,346,851, A>G. VCF-style: chr2-233346851-A-G. GRCh37 (hg19) VCF-style: chr2-234255497-A-G.
Other names: short protein forms N386S.
Identifiers: ClinVar variation 1896446 (VCV001896446.5), dbSNP rs2469841980, ClinGen allele CA351050364.